The following is an entry in ClinVar:

ClinVar aggregate classification (germline): Uncertain significance (1 of 4 stars; one submission).

Conditions:
Joubert syndrome. Also called: CEREBELLOPARENCHYMAL DISORDER IV; JOUBERT-BOLTSHAUSER SYNDROME; Familial aplasia of the vermis. Identifiers: Orphanet 475, MedGen C5979921, MONDO:0018772.
Meckel-Gruber syndrome. Also called: DYSENCEPHALIA SPLANCHNOCYSTICA; GRUBER SYNDROME; Dysencephalia splachnocystica. Identifiers: Orphanet 564, MedGen C0265215, MONDO:0018921.

Allele frequency attached by ClinVar (database versions not stated): TOPMed below 0.00001.
gnomAD v4.1: 2 of 1,613,914 alleles (0.00012%); highest among the groups gnomAD compares: Admixed American, 0.0017%; no homozygotes.

Submission:

Labcorp Genetics (formerly Invitae), Labcorp
Classification: Uncertain significance for Joubert syndrome; Meckel-Gruber syndrome. Last evaluated: 2022-08-10. Review status: criteria provided, single submitter. Criteria: Invitae Variant Classification Sherloc (09022015). Collection method: clinical testing. Allele origin: germline.
Comment: This sequence change replaces aspartic acid, which is acidic and polar, with asparagine, which is neutral and polar, at codon 496 of the TMEM67 protein (p.Asp496Asn). This variant is not present in population databases (gnomAD no frequency). This variant has not been reported in the literature in individuals affected with TMEM67-related conditions. Advanced modeling of protein sequence and biophysical properties (such as structural, functional, and spatial information, amino acid conservation, physicochemical variation, residue mobility, and thermodynamic stability) performed at Invitae indicates that this missense variant is not expected to disrupt TMEM67 protein function. In summary, the available evidence is currently insufficient to determine the role of this variant in disease. Therefore, it has been classified as a Variant of Uncertain Significance.

NM_153704.6(TMEM67):c.1486G>A (p.Asp496Asn)

Gene: TMEM67 (transmembrane protein 67; plus strand). Cytogenetic location: 8q22.1.
Variant type: single nucleotide variant.
Coding change: c.1486G>A on transcript NM_153704.6 (MANE Select); coding-DNA position 1486, G replaced by A.
Protein change: p.Asp496Asn; replaces aspartic acid 496 with asparagine.
Molecular consequence: missense variant. On other transcripts: non-coding transcript variant (1).
Genome position (GRCh38, 1-based): chr8:93,787,917, G>A. VCF-style: chr8-93787917-G-A. GRCh37 (hg19) VCF-style: chr8-94800145-G-A.
Other names: c.1243G>A, p.Asp415Asn (NM_001142301.1); short protein forms D496N, D415N.
Identifiers: ClinVar variation 1945857 (VCV001945857.5), dbSNP rs1211785179, ClinGen allele CA371690188.